The following is an entry in ClinVar:

NM_001370259.2(MEN1):c.850G>A (p.Ala284Thr)

Gene: MEN1 (menin 1; minus strand). Cytogenetic location: 11q13.1.
Variant type: single nucleotide variant.
Coding change: c.850G>A on transcript NM_001370259.2 (MANE Select); coding-DNA position 850, G replaced by A.
Protein change: p.Ala284Thr; replaces alanine 284 with threonine.
Molecular consequence: missense variant. On other transcripts: non-coding transcript variant (4).
Genome position (GRCh38, 1-based): chr11:64,807,073, C>T on the plus strand (G>A on the coding strand, the complement: MEN1 is on the minus strand). VCF-style: chr11-64807073-C-T. GRCh37 (hg19) VCF-style: chr11-64574545-C-T.
Other names: c.865G>A, p.Ala289Thr (NM_000244.4, NM_001407145.1, NM_001407150.1 and 5 more transcripts); c.850G>A, p.Ala284Thr (NM_001370251.2, NM_001370260.2, NM_001370261.2 and 7 more transcripts); c.745G>A, p.Ala249Thr (NM_001370262.2, NM_001370263.2, NM_001407148.1 and 2 more transcripts); short protein forms A249T, A284T, A289T.
Identifiers: ClinVar variation 3634199 (VCV003634199.3).

ClinVar aggregate classification (germline): Conflicting classifications of pathogenicity. Review status: criteria provided, conflicting classifications (1 of 4 stars). 2 submissions from 2 submitters: Likely pathogenic (1); Uncertain significance (1). Last evaluated 2025-12-21.

Conditions:
Multiple endocrine neoplasia, type 1 (MEN1). Also called: MEN I; WERMER SYNDROME; Endocrine adenomatosis multiple; MEN 1; MEA I. Identifiers: Orphanet 652, MedGen C0025267, MeSH D018761, MONDO:0007540, OMIM 131100.

Submissions (2):

Labcorp Genetics (formerly Invitae), Labcorp
Classification: Likely pathogenic for Multiple endocrine neoplasia, type 1. Last evaluated: 2025-12-21. Review status: criteria provided, single submitter. Criteria: Invitae Variant Classification Sherloc (09022015). Collection method: clinical testing. Allele origin: germline.
Comment: This sequence change replaces alanine, which is neutral and non-polar, with threonine, which is neutral and polar, at codon 284 of the MEN1 protein (p.Ala284Thr). This variant is not present in population databases (gnomAD no frequency). This variant has not been reported in the literature in individuals affected with MEN1-related conditions. ClinVar contains an entry for this variant (Variation ID: 3634199). Invitae Evidence Modeling of protein sequence and biophysical properties (such as structural, functional, and spatial information, amino acid conservation, physicochemical variation, residue mobility, and thermodynamic stability) indicates that this missense variant is expected to disrupt MEN1 protein function with a positive predictive value of 95%. This variant disrupts the p.Ala284 amino acid residue in MEN1. Other variant(s) that disrupt this residue have been determined to be pathogenic (PMID: 9463336, 15635078, 19953642; internal data). This suggests that this residue is clinically significant, and that variants that disrupt this residue are likely to be disease-causing. In summary, the currently available evidence indicates that the variant is pathogenic, but additional data are needed to prove that conclusively. Therefore, this variant has been classified as Likely Pathogenic.

Color Diagnostics, LLC DBA Color Health
Classification: Uncertain significance for Multiple endocrine neoplasia, type 1. Last evaluated: 2025-06-13. Review status: criteria provided, single submitter. Criteria: ACMG Guidelines, 2015. Collection method: clinical testing. Allele origin: germline.
Comment: This missense variant replaces alanine with threonine at codon 284 of the MEN1 protein. Computational prediction suggests that this variant may have deleterious impact on protein structure and function. To our knowledge, functional studies have not been reported for this variant nor has this variant been reported in individuals affected with MEN1-related disorders in the literature. Two different missense substitutions at this codon to valine and glutamic acid have been detected in multiple individuals affected with MEN1 or associated clinical features (PMID: 9463336, 15635078, 16794390, 19953642, 29497973) and are reported as (likely) disease-causing in ClinVar (variation ID: 573892, 2450220). This variant has not been identified in the general population by the Genome Aggregation Database (gnomAD). Although there is a suspicion that this variant may be associated with disease, additional studies are necessary to determine the role of this variant in disease conclusively. Therefore, this variant is classified as a Variant of Uncertain Significance.

Literature cited by the submitters: PubMed 9463336 (cited by Labcorp Genetics (formerly Invitae), Labcorp and Color Diagnostics, LLC DBA Color Health); PubMed 15635078 (cited by Labcorp Genetics (formerly Invitae), Labcorp and Color Diagnostics, LLC DBA Color Health); PubMed 19953642 (cited by Labcorp Genetics (formerly Invitae), Labcorp and Color Diagnostics, LLC DBA Color Health); PubMed 16794390 (cited by Color Diagnostics, LLC DBA Color Health); PubMed 29497973 (cited by Color Diagnostics, LLC DBA Color Health).